The following is an entry in ClinVar:

ClinVar aggregate classification (germline): Likely pathogenic (1 of 4 stars; one submission).

Conditions:
Choroideremia. Also called: Chorioretinal scalloped atrophy. Identifiers: Orphanet 180, MedGen C0008525, MONDO:0010557, OMIM 303100, HP:0001139.

Submission:

Ocular Genomics Institute, Massachusetts Eye and Ear
Classification: Likely pathogenic for Choroideremia. Last evaluated: 2021-04-08. Review status: criteria provided, single submitter. Criteria: ACMG Guidelines, 2015. Collection method: research. Allele origin: germline. Affected: yes.
Comment: Through a review of available evidence we were able to apply the following criteria: PVS1, PM2. Based on this evidence we have classified this variant as Likely Pathogenic.

NM_000390.4(CHM):c.83C>G (p.Ser28Ter)

Gene: CHM (CHM Rab escort protein; minus strand). Cytogenetic location: Xq21.2.
Variant type: single nucleotide variant.
Coding change: c.83C>G on transcript NM_000390.4 (MANE Select); coding-DNA position 83, C replaced by G.
Protein change: p.Ser28Ter; replaces serine 28 with a stop codon.
Molecular consequence: nonsense. On other transcripts: 5 prime UTR variant (4).
Genome position (GRCh38, 1-based): chrX:86,027,524, G>C on the plus strand (C>G on the coding strand, the complement: CHM is on the minus strand). VCF-style: chrX-86027524-G-C. GRCh37 (hg19) VCF-style: chrX-85282528-G-C.
Other names: c.83C>G, p.Ser28Ter (NM_001145414.4); c.-362C>G (NM_001320959.1, NM_001362517.1); c.-358C>G (NM_001362518.2, NM_001362519.1); short protein forms S28*.
Identifiers: ClinVar variation 1065740 (VCV001065740.1), dbSNP rs2147791162, ClinGen allele CA413787996.